The following is an entry in ClinVar:

ClinVar aggregate classification (germline): Benign. Review status: criteria provided, multiple submitters, no conflicts (2 of 4 stars). 2 submissions from 2 submitters: Benign (2). Last evaluated 2016-03-29.

Allele frequency attached by ClinVar (database versions not stated): gnomAD 0.03592 and 0.03739; gnomAD exomes 0.03738; ESP Exome Variant Server 0.03781; ExAC 0.03896; TOPMed 0.03897; 1000 Genomes Project 0.04712; 1000 Genomes Project 30x 0.04809.
gnomAD v4.1: 51,971 of 1,614,072 alleles (3.2%); highest among the groups gnomAD compares: South Asian, 9.2%; 1,251 homozygotes.

Submissions (2):

Laboratory for Molecular Medicine, Mass General Brigham Personalized Medicine
Classification: Benign. Last evaluated: 2016-03-29. Review status: criteria provided, single submitter. Criteria: LMM Criteria. Collection method: clinical testing. Allele origin: germline.
Comment: Variant identified in a genome or exome case(s) and assessed due to predicted null impact of the variant or pathogenic assertions in the literature or databases. Disclaimer: This variant has not undergone full assessment. The following are preliminary notes: MAF

Breakthrough Genomics
Classification: Benign. Review status: criteria provided, single submitter. Criteria: ACMG Guidelines, 2015. Collection method: not provided. Allele origin: germline. Inheritance: Unknown mechanism. Affected: yes.

NM_001378213.1(BCL9L):c.2292C>T (p.Pro764=)

Gene: BCL9L (BCL9 like; minus strand). Cytogenetic location: 11q23.3.
Variant type: single nucleotide variant.
Coding change: c.2292C>T on transcript NM_001378213.1 (MANE Select); coding-DNA position 2292, C replaced by T.
Protein change: p.Pro764=; no amino-acid change (proline 764 retained).
Molecular consequence: synonymous variant.
Genome position (GRCh38, 1-based): chr11:118,901,451, G>A on the plus strand (C>T on the coding strand, the complement: BCL9L is on the minus strand). VCF-style: chr11-118901451-G-A. GRCh37 (hg19) VCF-style: chr11-118772160-G-A.
Other names: c.2181C>T, p.Pro727= (NM_001378214.1); c.2292C>T, p.Pro764= (NM_182557.4).
Identifiers: ClinVar variation 402415 (VCV000402415.5), dbSNP rs61730467, ClinGen allele CA6309483.